The following is an entry in ClinVar:

NM_001110556.2(FLNA):c.5219C>T (p.Ala1740Val)

Gene: FLNA (filamin A; minus strand). Cytogenetic location: Xq28.
Variant type: single nucleotide variant.
Coding change: c.5219C>T on transcript NM_001110556.2 (MANE Select); coding-DNA position 5219, C replaced by T.
Protein change: p.Ala1740Val; replaces alanine 1740 with valine.
Molecular consequence: missense variant.
Genome position (GRCh38, 1-based): chrX:154,354,710, G>A on the plus strand (C>T on the coding strand, the complement: FLNA is on the minus strand). VCF-style: chrX-154354710-G-A. GRCh37 (hg19) VCF-style: chrX-153583078-G-A.
Other names: c.5219C>T (NM_001110556.1); c.5195C>T, p.Ala1732Val (NM_001456.4); short protein forms A1732V, A1740V.
Identifiers: ClinVar variation 590049 (VCV000590049.24), dbSNP rs782714867, ClinGen allele CA10560350.
Genomic context (GRCh38, chrX:154,354,710, plus strand): 5'-TGTGGGGCCAGCTGCTGAGACCGTAGAGGGGGCTGCACCGAGGGCTGGTCCCCAGCCAGA[G>A]CCTGCAGGGCAAAGCAGAGAGCTGCTGGAGAGTCTGTTGTCACAGAGGGGCCCCAGGGGA-3'
Protein context (NP_001104026.1, residues 1730-1750): HVPNSPFQVT[Ala1740Val]LAGDQPSVQP

ClinVar aggregate classification (germline): Conflicting classifications of pathogenicity. Review status: criteria provided, conflicting classifications (1 of 4 stars). 6 submissions from 6 submitters: Uncertain significance (5); Likely benign (1). Last evaluated 2025-10-31.

Conditions:
Frontometaphyseal dysplasia (FMD1). Identifiers: Orphanet 1826, MedGen C0265293, MONDO:0015942.
Heterotopia, periventricular, X-linked dominant (PVNH1). Also called: PERIVENTRICULAR NODULAR HETEROTOPIA 1; PERIVENTRICULAR NODULAR HETEROTOPIA 4; HETEROTOPIA, PERIVENTRICULAR, 1; X-linked periventricular heterotopia. Identifiers: Orphanet 2149, Orphanet 82004, MedGen C1848213, MONDO:0010233, OMIM 300049.
Melnick-Needles syndrome (MNS). Also called: Melnick-Needles Syndrome (FLNA-MNS); OSTEODYSPLASTY OF MELNICK AND NEEDLES; MELNICK-NEEDLES OSTEODYSPLASTY. Identifiers: Orphanet 2484, MedGen C0025237, MONDO:0010650, OMIM 309350.
Oto-palato-digital syndrome, type II (OPD2). Also called: Otopalatodigital Syndrome Type 2 (FLNA-OPD2); FACIOPALATOOSSEOUS SYNDROME; OPD II SYNDROME; Otopalatodigital Syndrome, Type II. Identifiers: Orphanet 669, Orphanet 90652, MedGen C1844696, MONDO:0010571, OMIM 304120.
FLNA-related disorder.
Familial thoracic aortic aneurysm and aortic dissection (TAAD). Also called: Thoracic aortic aneurysms and dissections. Identifiers: Orphanet 91387, MedGen C4707243, MONDO:0019625.

Allele frequency attached by ClinVar (database versions not stated): gnomAD exomes 0.00001 and 0.00004; ExAC 0.00002; TOPMed 0.00002; gnomAD 0.00003.
gnomAD v4.1: 43 of 1,206,755 alleles (0.0036%); highest among the groups gnomAD compares: Non-Finnish European, 0.0048%; no homozygotes.

Submissions (6):

PreventionGenetics, part of Exact Sciences
Classification: Likely benign for FLNA-related condition. Last evaluated: 2025-10-31. Review status: criteria provided, single submitter. Criteria: ACMG Guidelines, 2015. Collection method: clinical testing. Allele origin: germline.
Comment: This variant is classified as likely benign based on ACMG/AMP sequence variant interpretation guidelines (Richards et al. 2015 PMID: 25741868, with internal and published modifications).

Labcorp Genetics (formerly Invitae), Labcorp
Classification: Uncertain significance for Oto-palato-digital syndrome, type II; Heterotopia, periventricular, X-linked dominant; Frontometaphyseal dysplasia; Melnick-Needles syndrome. Last evaluated: 2025-10-13. Review status: criteria provided, single submitter. Criteria: Invitae Variant Classification Sherloc (09022015). Collection method: clinical testing. Allele origin: germline.
Comment: This sequence change replaces alanine, which is neutral and non-polar, with valine, which is neutral and non-polar, at codon 1732 of the FLNA protein (p.Ala1732Val). This variant is present in population databases (rs782714867, gnomAD 0.001%). This variant has not been reported in the literature in individuals affected with FLNA-related conditions. ClinVar contains an entry for this variant (Variation ID: 590049). An algorithm developed to predict the effect of missense changes on protein structure and function (PolyPhen-2) suggests that this variant is likely to be tolerated. In summary, the available evidence is currently insufficient to determine the role of this variant in disease. Therefore, it has been classified as a Variant of Uncertain Significance.

Ambry Genetics
Classification: Uncertain significance for Familial thoracic aortic aneurysm and aortic dissection. Last evaluated: 2025-08-08. Review status: criteria provided, single submitter. Criteria: Ambry Variant Classification Scheme 2023. Collection method: clinical testing. Allele origin: germline.
Comment: The p.A1732V variant (also known as c.5195C>T), located in coding exon 30 of the FLNA gene, results from a C to T substitution at nucleotide position 5195. The alanine at codon 1732 is replaced by valine, an amino acid with similar properties. This amino acid position is well conserved in available vertebrate species. In addition, the in silico prediction for this alteration is inconclusive. Based on data from gnomAD, the T allele has an overall frequency of <0.01% (1/168352) total alleles studied, with no hemizygote(s) observed. The highest observed frequency was <0.01% (1/73722) of European (non-Finnish) alleles. Based on the available evidence, the clinical significance of this variant remains unclear.

Revvity Omics, Revvity
Classification: Uncertain significance. Last evaluated: 2021-01-29. Review status: criteria provided, single submitter. Criteria: ACMG Guidelines, 2015. Collection method: clinical testing. Allele origin: germline.

GeneDx
Classification: Uncertain significance. Last evaluated: 2020-09-03. Review status: criteria provided, single submitter. Criteria: GeneDx Variant Classification Process June 2021. Collection method: clinical testing. Allele origin: germline. Affected: yes.
Comment: Has not been previously published as pathogenic or benign to our knowledge; Not observed at a significant frequency in large population cohorts (Lek et al., 2016); In silico analysis, which includes protein predictors and evolutionary conservation, supports that this variant does not alter protein structure/function; Reported in ClinVar as a variant of uncertain significance (ClinVar Variant ID# 590049; Landrum et al., 2016)

ARUP Laboratories, Molecular Genetics and Genomics, ARUP Laboratories
Classification: Uncertain significance. Last evaluated: 2017-10-10. Review status: criteria provided, single submitter. Criteria: ARUP Molecular Germline Variant Investigation Process. Collection method: clinical testing. Allele origin: germline.